The following is an entry in ClinVar:

NM_001018005.2(TPM1):c.115-213G>C

Gene: TPM1 (tropomyosin 1; plus strand). Cytogenetic location: 15q22.2.
Variant type: single nucleotide variant.
Coding change: c.115-213G>C on transcript NM_001018005.2 (MANE Select); 213 bases into the intron before coding-DNA position 115, G replaced by C.
Molecular consequence: intron variant. On other transcripts: missense variant (4).
Genome position (GRCh38, 1-based): chr15:63,043,814, G>C. VCF-style: chr15-63043814-G-C. GRCh37 (hg19) VCF-style: chr15-63336013-G-C.
Other names: c.223G>C, p.Glu75Gln (NM_001018007.2, NM_001018020.2, NM_001301244.2 and 1 more transcripts); c.115-213G>C (NM_001018006.2, NM_001365776.1, NM_001018004.2 and 3 more transcripts); short protein forms E75Q.
Identifiers: ClinVar variation 931365 (VCV000931365.3), dbSNP rs979999394, ClinGen allele CA272020821.

ClinVar aggregate classification (germline): Uncertain significance (1 of 4 stars; one submission).

Conditions:
Dilated cardiomyopathy 1Y (CMD1Y). Identifiers: Orphanet 154, Orphanet 54260, MedGen C2678476, MONDO:0012744, OMIM 611878.

Allele frequency attached by ClinVar (database versions not stated): gnomAD 0.00001; TOPMed 0.00001.
gnomAD v4.1: 14 of 1,548,714 alleles (0.0009%); highest among the groups gnomAD compares: Non-Finnish European, 0.0012%; no homozygotes.

Submission:

Centre for Mendelian Genomics, University Medical Centre Ljubljana
Classification: Uncertain significance for Dilated cardiomyopathy 1Y. Last evaluated: 2020-04-01. Review status: criteria provided, single submitter. Criteria: ACMG Guidelines, 2015. Collection method: clinical testing. Allele origin: unknown. Affected: yes.
Comment: This variant was classified as: Uncertain significance. The available evidence on this variant's pathogenicity is insufficient or conflicting. The following ACMG criteria were applied in classifying this variant: PM2.